The following is an entry in ClinVar:

ClinVar aggregate classification (germline): Uncertain significance. Review status: criteria provided, multiple submitters, no conflicts (2 of 4 stars). 2 submissions from 2 submitters: Uncertain significance (2). Last evaluated 2025-07-14.

Allele frequency attached by ClinVar (database versions not stated): ExAC 0.00001; gnomAD 0.00001; TOPMed 0.00001; gnomAD exomes 0.00005.

Submissions (2):

Labcorp Genetics (formerly Invitae), Labcorp
Classification: Uncertain significance. Last evaluated: 2025-07-14. Review status: criteria provided, single submitter. Criteria: Invitae Variant Classification Sherloc (09022015). Collection method: clinical testing. Allele origin: germline.
Comment: This sequence change replaces valine, which is neutral and non-polar, with methionine, which is neutral and non-polar, at codon 295 of the PIGB protein (p.Val295Met). This variant is present in population databases (rs749091489, gnomAD 0.008%). This variant has not been reported in the literature in individuals affected with PIGB-related conditions. ClinVar contains an entry for this variant (Variation ID: 1948292). Invitae Evidence Modeling of protein sequence and biophysical properties (such as structural, functional, and spatial information, amino acid conservation, physicochemical variation, residue mobility, and thermodynamic stability) indicates that this missense variant is expected to disrupt PIGB protein function with a positive predictive value of 80%. In summary, the available evidence is currently insufficient to determine the role of this variant in disease. Therefore, it has been classified as a Variant of Uncertain Significance.

Blueprint Genetics
Classification: Uncertain significance. Last evaluated: 2022-10-24. Review status: criteria provided, single submitter. Criteria: ACMG Guidelines, 2015. Collection method: clinical testing. Allele origin: germline.

NM_004855.5(PIGB):c.883G>A (p.Val295Met)

Gene: PIGB (phosphatidylinositol glycan anchor biosynthesis class B; plus strand). Cytogenetic location: 15q21.3.
Variant type: single nucleotide variant.
Coding change: c.883G>A on transcript NM_004855.5 (MANE Select); coding-DNA position 883, G replaced by A.
Protein change: p.Val295Met; replaces valine 295 with methionine.
Molecular consequence: missense variant.
Genome position (GRCh38, 1-based): chr15:55,340,648, G>A. VCF-style: chr15-55340648-G-A. GRCh37 (hg19) VCF-style: chr15-55632846-G-A.
Other names: short protein forms V295M.
Identifiers: ClinVar variation 1948292 (VCV001948292.5), dbSNP rs749091489, ClinGen allele CA7573963.